The following is an entry in ClinVar:

ClinVar aggregate classification (germline): Benign/Likely benign. Review status: criteria provided, multiple submitters, no conflicts (2 of 4 stars). 6 submissions from 6 submitters: Benign (4); Likely benign (2). Last evaluated 2026-01-05.

Conditions:
Focal segmental glomerulosclerosis 2 (FSGS2). Identifiers: Orphanet 656, MedGen C1858915, MONDO:0011390, OMIM 603965.

Allele frequency attached by ClinVar (database versions not stated): gnomAD exomes 0.00038 and 0.00094; ExAC 0.00118; ESP Exome Variant Server 0.00354; gnomAD 0.00371 and 0.00391; TOPMed 0.00417; 1000 Genomes Project 30x 0.00578; 1000 Genomes Project 0.00579.
gnomAD v4.1: 1,139 of 1,613,992 alleles (0.071%); highest among the groups gnomAD compares: African/African-American, 1.3%; 12 homozygotes.

Submissions (6):

Labcorp Genetics (formerly Invitae), Labcorp
Classification: Benign. Last evaluated: 2026-01-05. Review status: criteria provided, single submitter. Criteria: Invitae Variant Classification Sherloc (09022015). Collection method: clinical testing. Allele origin: germline.

CeGaT Center for Human Genetics Tuebingen
Classification: Likely benign. Last evaluated: 2026-01-01. Review status: criteria provided, single submitter. Criteria: CeGaT Center For Human Genetics Tuebingen Variant Classification Criteria Version 2. Collection method: clinical testing. Allele origin: germline. Affected: yes. Observed: 2 variant alleles.
Comment: TRPC6: BP4, BP7, BS1

Blueprint Genetics
Classification: Likely benign. Last evaluated: 2024-11-26. Review status: criteria provided, single submitter. Criteria: ACMG Guidelines, 2015. Collection method: clinical testing. Allele origin: germline.

Mayo Clinic Laboratories, Mayo Clinic
Classification: Benign. Last evaluated: 2023-12-21. Review status: criteria provided, single submitter. Criteria: ACMG Guidelines, 2015. Collection method: clinical testing. Allele origin: germline. Observed: 3 variant alleles.
Comment: BS1, BS2, BP4, BP7

Athena Diagnostics
Classification: Benign. Last evaluated: 2019-01-08. Review status: criteria provided, single submitter. Criteria: Athena Diagnostics Criteria. Collection method: clinical testing. Allele origin: germline.

Illumina Laboratory Services, Illumina
Classification: Benign for Focal segmental glomerulosclerosis 2. Last evaluated: 2018-01-13. Review status: criteria provided, single submitter. Criteria: ICSL Variant Classification Criteria 13 December 2019. Collection method: clinical testing. Allele origin: germline.
Comment: This variant was observed in the ICSL laboratory as part of a predisposition screen in an ostensibly healthy population. It had not been previously curated by ICSL or reported in the Human Gene Mutation Database (HGMD: prior to June 1st, 2018), and was therefore a candidate for classification through an automated scoring system. Utilizing variant allele frequency, disease prevalence and penetrance estimates, and inheritance mode, an automated score was calculated to assess if this variant is too frequent to cause the disease. Based on the score and internal cut-off values, a variant classified as benign is not then subjected to further curation. The score for this variant resulted in a classification of benign for this disease.

NM_004621.6(TRPC6):c.1338C>T (p.His446=)

Gene: TRPC6 (transient receptor potential cation channel subfamily C member 6; minus strand). Cytogenetic location: 11q22.1.
Variant type: single nucleotide variant.
Coding change: c.1338C>T on transcript NM_004621.6 (MANE Select); coding-DNA position 1338, C replaced by T.
Protein change: p.His446=; no amino-acid change (histidine 446 retained).
Molecular consequence: synonymous variant.
Genome position (GRCh38, 1-based): chr11:101,483,121, G>A on the plus strand (C>T on the coding strand, the complement: TRPC6 is on the minus strand). VCF-style: chr11-101483121-G-A. GRCh37 (hg19) VCF-style: chr11-101353852-G-A.
Other names: p.His446=.
Identifiers: ClinVar variation 301908 (VCV000301908.28), dbSNP rs112258968, ClinGen allele CA6244340.